The following is an entry in ClinVar:

NM_178140.4(PDZD2):c.3040G>A (p.Val1014Ile)

Gene: PDZD2 (PDZ domain containing 2; plus strand). Cytogenetic location: 5p13.3.
Variant type: single nucleotide variant.
Coding change: c.3040G>A on transcript NM_178140.4 (MANE Select); coding-DNA position 3040, G replaced by A.
Protein change: p.Val1014Ile; replaces valine 1014 with isoleucine.
Molecular consequence: missense variant.
Genome position (GRCh38, 1-based): chr5:32,074,146, G>A. VCF-style: chr5-32074146-G-A. GRCh37 (hg19) VCF-style: chr5-32074252-G-A.
Other names: short protein forms V1014I.
Identifiers: ClinVar variation 3056796 (VCV003056796.9), dbSNP rs61745924, ClinGen allele CA3219370.
Genomic context (GRCh38, chr5:32,074,146, plus strand): 5'-AGGCCTCTGTCAGAGGATGACCCGAGGCGTGTCTCAATTTCCTCTTCCAAGGGCATGGAC[G>A]TCCACAACCAAGAGGAACGACCCCGGAAAACACTGGTGAGCAAGGCCATCTCGGCACCTC-3'
Protein context (NP_835260.2, residues 1004-1024): VSISSSKGMD[Val1014Ile]HNQEERPRKT

ClinVar aggregate classification (germline): Likely benign. Review status: criteria provided, single submitter (1 of 4 stars). 2 submissions from 2 submitters: Likely benign (1). 1 of the submissions does not count toward it. Last evaluated 2025-09-01.

Conditions:
PDZD2-related disorder. Also called: PDZD2-related condition.

Allele frequency attached by ClinVar (database versions not stated): 1000 Genomes Project 0.00120; 1000 Genomes Project 30x 0.00125; ExAC 0.00324; ESP Exome Variant Server 0.00469.
gnomAD v4.1: 8,987 of 1,614,192 alleles (0.56%); highest among the groups gnomAD compares: Non-Finnish European, 0.71%; 41 homozygotes.

Submissions (2):

CeGaT Center for Human Genetics Tuebingen
Classification: Likely benign. Last evaluated: 2025-09-01. Review status: criteria provided, single submitter. Criteria: CeGaT Center For Human Genetics Tuebingen Variant Classification Criteria Version 2. Collection method: clinical testing. Allele origin: germline. Affected: yes. Observed: 1 variant allele.
Comment: PDZD2: BP4, BS2

PreventionGenetics, part of Exact Sciences
Classification: Likely benign for PDZD2-related condition. Last evaluated: 2019-04-29. Review status: no assertion criteria provided. Collection method: clinical testing. Allele origin: germline. Not counted in ClinVar's aggregate classification.
Comment: This variant is classified as likely benign based on ACMG/AMP sequence variant interpretation guidelines (Richards et al. 2015 PMID: 25741868, with internal and published modifications).